The following is an entry in ClinVar:

ClinVar aggregate classification (germline): Pathogenic (1 of 4 stars; one submission).

Conditions:
Gorlin syndrome. Also called: Nevoid Basal Cell Carcinoma Syndrome; Basal cell nevus syndrome. Identifiers: Orphanet 377, MedGen C0004779, MONDO:0007187.

Submission:

Labcorp Genetics (formerly Invitae), Labcorp
Classification: Pathogenic for Gorlin syndrome. Last evaluated: 2025-05-04. Review status: criteria provided, single submitter. Criteria: Invitae Variant Classification Sherloc (09022015). Collection method: clinical testing. Allele origin: germline.
Comment: This sequence change creates a premature translational stop signal (p.Gln839*) in the PTCH1 gene. It is expected to result in an absent or disrupted protein product. Loss-of-function variants in PTCH1 are known to be pathogenic (PMID: 16301862, 16419085). This variant is not present in population databases (gnomAD no frequency). This variant has not been reported in the literature in individuals affected with PTCH1-related conditions. ClinVar contains an entry for this variant (Variation ID: 568190). For these reasons, this variant has been classified as Pathogenic.

Literature cited by the submitters: PubMed 16301862; PubMed 16419085.

NM_000264.5(PTCH1):c.2515C>T (p.Gln839Ter)

Genes: PTCH1 (patched 1; minus strand), LOC100507346 (uncharacterized LOC100507346; plus strand). Cytogenetic location: 9q22.32.
Variant type: single nucleotide variant.
Coding change: c.2515C>T on transcript NM_000264.5 (MANE Select); coding-DNA position 2515, C replaced by T.
Protein change: p.Gln839Ter; replaces glutamine 839 with a stop codon.
Molecular consequence: nonsense. On other transcripts: non-coding transcript variant (2).
Genome position (GRCh38, 1-based): chr9:95,467,161, G>A on the plus strand (C>T on the coding strand, the complement: PTCH1 is on the minus strand). VCF-style: chr9-95467161-G-A. GRCh37 (hg19) VCF-style: chr9-98229443-G-A.
Other names: c.2317C>T, p.Gln773Ter (NM_001083602.3); c.2512C>T, p.Gln838Ter (NM_001083603.3); c.2062C>T, p.Gln688Ter (NM_001083604.3, NM_001083605.3, NM_001083606.3 and 1 more transcripts); c.2359C>T, p.Gln787Ter (NM_001354918.2); short protein forms Q773*, Q839*, Q838*, Q787*, Q688*.
Identifiers: ClinVar variation 568190 (VCV000568190.10), dbSNP rs1564030530, ClinGen allele CA374113843.